The following is an entry in ClinVar:

ClinVar aggregate classification (germline): Benign (1 of 4 stars; one submission).

gnomAD v4.1: 46,271 of 1,614,164 alleles (2.9%); highest among the groups gnomAD compares: Non-Finnish European, 3.3%; 865 homozygotes.

Submissions (2):

CeGaT Center for Human Genetics Tuebingen
Classification: Benign. Last evaluated: 2026-09-01. Review status: criteria provided, single submitter. Criteria: CeGaT Center For Human Genetics Tuebingen Variant Classification Criteria Version 2. Collection method: clinical testing. Allele origin: germline. Affected: yes. Observed: 45 variant alleles.
Comment: KDM5B: BP4, BS1, BS2

Dr. Peter K. Rogan Lab, Western University
No classification provided (evidence only). Condition: Familial cancer of breast. Review status: no classification provided. Collection method: in vitro. Allele origin: not applicable. Functional consequence: retained intron. Not counted in ClinVar's aggregate classification.

NM_006618.5(KDM5B):c.2707G>C (p.Glu903Gln)

Gene: KDM5B (lysine demethylase 5B; minus strand). Cytogenetic location: 1q32.1.
Variant type: single nucleotide variant.
Coding change: c.2707G>C on transcript NM_006618.5 (MANE Select); coding-DNA position 2707, G replaced by C.
Protein change: p.Glu903Gln; replaces glutamic acid 903 with glutamine.
Molecular consequence: missense variant.
Genome position (GRCh38, 1-based): chr1:202,741,605, C>G on the plus strand (G>C on the coding strand, the complement: KDM5B is on the minus strand). VCF-style: chr1-202741605-C-G. GRCh37 (hg19) VCF-style: chr1-202710733-C-G.
Other names: NC_000001.10:g.202710733C>G; c.2815G>C, p.Glu939Gln (NM_001314042.2); c.2572G>C, p.Glu858Gln (NM_001347591.2); c.2692G>C, p.Glu898Gln (NM_001399817.1); short protein forms E858Q, E898Q, E903Q, E939Q.
Identifiers: ClinVar variation 4083533 (VCV004083533.9).